The following is an entry in ClinVar:

NM_015270.5(ADCY6):c.2996A>G (p.Asn999Ser)

Gene: ADCY6 (adenylate cyclase 6; minus strand). Cytogenetic location: 12q13.12.
Variant type: single nucleotide variant.
Coding change: c.2996A>G on transcript NM_015270.5 (MANE Select); coding-DNA position 2996, A replaced by G.
Protein change: p.Asn999Ser; replaces asparagine 999 with serine.
Molecular consequence: missense variant. On other transcripts: non-coding transcript variant (1).
Genome position (GRCh38, 1-based): chr12:48,771,765, T>C on the plus strand (A>G on the coding strand, the complement: ADCY6 is on the minus strand). VCF-style: chr12-48771765-T-C. GRCh37 (hg19) VCF-style: chr12-49165548-T-C.
Other names: c.2837A>G, p.Asn946Ser (NM_001390830.1); c.2996A>G, p.Asn999Ser (NM_001390831.2, NM_001412819.1, NM_001412820.1 and 2 more transcripts); short protein forms N946S, N999S.
Identifiers: ClinVar variation 4851491 (VCV004851491.1).

ClinVar aggregate classification (germline): VUS-low (1 of 4 stars; one submission).

Conditions:
Lethal congenital contracture syndrome 8 (LCCS8). Identifiers: MedGen C4225385, MONDO:0014570, OMIM 616287.

gnomAD v4.1: 83 of 1,614,070 alleles (0.0051%); highest among the groups gnomAD compares: Non-Finnish European, 0.006%; no homozygotes.

Submission:

Synevo Romania
Classification: VUS-low for Lethal congenital contracture syndrome 8. Last evaluated: 2025-11-05. Review status: criteria provided, single submitter. Criteria: ACMG Guidelines, 2015. Collection method: clinical testing. Allele origin: unknown. Inheritance: Autosomal recessive inheritance. Observed: 1 variant allele, 1 compound heterozygote.
Comment: The published and predicted evidence for this variant is not sufficient at this time for determining its clinical significance.